The following is an entry in ClinVar:

ClinVar aggregate classification (germline): Uncertain significance. Review status: criteria provided, multiple submitters, no conflicts (2 of 4 stars). 2 submissions from 2 submitters: Uncertain significance (2). Last evaluated 2023-01-06.

Conditions:
Inborn genetic diseases. Identifiers: MedGen C0950123, MeSH D030342.
Mowat-Wilson syndrome (MOWS). Also called: Classic Mowat-Wilson Syndrome. Identifiers: Orphanet 2152, MedGen C1856113, MONDO:0009341, OMIM 235730.

Allele frequency attached by ClinVar (database versions not stated): gnomAD exomes below 0.00001 and 0.00001; ExAC 0.00001.
gnomAD v4.1: 7 of 1,614,146 alleles (0.00043%); highest among the groups gnomAD compares: Non-Finnish European, 0.00059%; no homozygotes.

Submissions (2):

Ambry Genetics
Classification: Uncertain significance for Inborn genetic diseases. Last evaluated: 2023-01-06. Review status: criteria provided, single submitter. Criteria: Ambry Variant Classification Scheme 2023. Collection method: clinical testing. Allele origin: germline.

Labcorp Genetics (formerly Invitae), Labcorp
Classification: Uncertain significance for Mowat-Wilson syndrome. Last evaluated: 2022-05-20. Review status: criteria provided, single submitter. Criteria: Invitae Variant Classification Sherloc (09022015). Collection method: clinical testing. Allele origin: germline.
Comment: In summary, the available evidence is currently insufficient to determine the role of this variant in disease. Therefore, it has been classified as a Variant of Uncertain Significance. Algorithms developed to predict the effect of missense changes on protein structure and function are either unavailable or do not agree on the potential impact of this missense change (SIFT: "Deleterious"; PolyPhen-2: "Possibly Damaging"; Align-GVGD: "Class C0"). This variant has not been reported in the literature in individuals affected with ZEB2-related conditions. This variant is present in population databases (rs758848641, gnomAD 0.0009%). This sequence change replaces aspartic acid, which is acidic and polar, with glutamic acid, which is acidic and polar, at codon 776 of the ZEB2 protein (p.Asp776Glu).

NM_014795.4(ZEB2):c.2328C>G (p.Asp776Glu)

Gene: ZEB2 (zinc finger E-box binding homeobox 2; minus strand). Cytogenetic location: 2q22.3.
Variant type: single nucleotide variant.
Coding change: c.2328C>G on transcript NM_014795.4 (MANE Select); coding-DNA position 2328, C replaced by G.
Protein change: p.Asp776Glu; replaces aspartic acid 776 with glutamic acid.
Molecular consequence: missense variant.
Genome position (GRCh38, 1-based): chr2:144,398,859, G>C on the plus strand (C>G on the coding strand, the complement: ZEB2 is on the minus strand). VCF-style: chr2-144398859-G-C. GRCh37 (hg19) VCF-style: chr2-145156426-G-C.
Other names: c.2328C>G (NM_014795.3); c.2256C>G, p.Asp752Glu (NM_001171653.2); short protein forms D752E, D776E.
Identifiers: ClinVar variation 1461401 (VCV001461401.9), dbSNP rs758848641, ClinGen allele CA1898258.